The following is an entry in ClinVar:

NM_004329.3(BMPR1A):c.1246A>G (p.Ser416Gly)

Gene: BMPR1A (bone morphogenetic protein receptor type 1A; plus strand). Cytogenetic location: 10q23.2.
Variant type: single nucleotide variant.
Coding change: c.1246A>G on transcript NM_004329.3 (MANE Select); coding-DNA position 1246, A replaced by G.
Protein change: p.Ser416Gly; replaces serine 416 with glycine.
Molecular consequence: missense variant.
Genome position (GRCh38, 1-based): chr10:86,921,599, A>G. VCF-style: chr10-86921599-A-G. GRCh37 (hg19) VCF-style: chr10-88681356-A-G.
Other names: c.1321A>G, p.Ser441Gly (NM_001406559.1); c.1294A>G, p.Ser432Gly (NM_001406560.1); c.1246A>G, p.Ser416Gly (NM_001406561.1, NM_001406562.1, NM_001406563.1 and 19 more transcripts); c.1240A>G, p.Ser414Gly (NM_001406583.1); c.1162A>G, p.Ser388Gly (NM_001406584.1, NM_001406585.1, NM_001406586.1 and 2 more transcripts); c.904A>G, p.Ser302Gly (NM_001406589.1); short protein forms S441G, S302G, S416G, S388G, S414G, S432G.
Identifiers: ClinVar variation 1759561 (VCV001759561.4), dbSNP rs2539636897, ClinGen allele CA377462089.
Genomic context (GRCh38, chr10:86,921,599, plus strand): 5'-GTGCCCTTGAATACCAGGGTGGGCACCAAACGCTACATGGCTCCCGAAGTGCTGGACGAA[A>G]GCCTGAACAAAAACCACTTCCAGCCCTACATCATGGCTGACATCTACAGCTTCGGCCTAA-3'
Protein context (NP_004320.2, residues 406-426): RYMAPEVLDE[Ser416Gly]LNKNHFQPYI

ClinVar aggregate classification (germline): Uncertain significance. Review status: criteria provided, multiple submitters, no conflicts (2 of 4 stars). 2 submissions from 2 submitters: Uncertain significance (2). Last evaluated 2024-03-28.

Conditions:
Juvenile polyposis syndrome (JPS). Identifiers: Orphanet 2929, MedGen C0345893, MONDO:0017380, OMIM 174900.
Hereditary cancer-predisposing syndrome. Also called: Neoplastic Syndromes, Hereditary; Tumor predisposition; Hereditary neoplastic syndrome; Hereditary Cancer Syndrome. Identifiers: Orphanet 140162, MedGen C0027672, MeSH D009386, MONDO:0015356.

Submissions (2):

Labcorp Genetics (formerly Invitae), Labcorp
Classification: Uncertain significance for Juvenile polyposis syndrome. Last evaluated: 2024-03-28. Review status: criteria provided, single submitter. Criteria: Invitae Variant Classification Sherloc (09022015). Collection method: clinical testing. Allele origin: germline.
Comment: This sequence change replaces serine, which is neutral and polar, with glycine, which is neutral and non-polar, at codon 416 of the BMPR1A protein (p.Ser416Gly). This variant is not present in population databases (gnomAD no frequency). This variant has not been reported in the literature in individuals affected with BMPR1A-related conditions. ClinVar contains an entry for this variant (Variation ID: 1759561). Advanced modeling of protein sequence and biophysical properties (such as structural, functional, and spatial information, amino acid conservation, physicochemical variation, residue mobility, and thermodynamic stability) performed at Invitae indicates that this missense variant is not expected to disrupt BMPR1A protein function with a negative predictive value of 80%. In summary, the available evidence is currently insufficient to determine the role of this variant in disease. Therefore, it has been classified as a Variant of Uncertain Significance.

Ambry Genetics
Classification: Uncertain significance for Hereditary cancer-predisposing syndrome. Last evaluated: 2022-10-08. Review status: criteria provided, single submitter. Criteria: Ambry Variant Classification Scheme 2023. Collection method: clinical testing. Allele origin: germline.
Comment: The p.S416G variant (also known as c.1246A>G), located in coding exon 9 of the BMPR1A gene, results from an A to G substitution at nucleotide position 1246. The serine at codon 416 is replaced by glycine, an amino acid with similar properties. This amino acid position is conserved. In addition, the in silico prediction for this alteration is inconclusive. Since supporting evidence is limited at this time, the clinical significance of this alteration remains unclear.